The following is an entry in ClinVar:

NM_000051.4(ATM):c.5693G>T (p.Arg1898Leu)

Gene: ATM (ATM serine/threonine kinase; plus strand). Cytogenetic location: 11q22.3.
Variant type: single nucleotide variant.
Coding change: c.5693G>T on transcript NM_000051.4 (MANE Select); coding-DNA position 5693, G replaced by T.
Protein change: p.Arg1898Leu; replaces arginine 1898 with leucine.
Molecular consequence: missense variant.
Genome position (GRCh38, 1-based): chr11:108,307,915, G>T. VCF-style: chr11-108307915-G-T. GRCh37 (hg19) VCF-style: chr11-108178642-G-T.
Other names: c.5693G>T, p.Arg1898Leu (NM_001351834.2); short protein forms R1898L.
Identifiers: ClinVar variation 825900 (VCV000825900.4), dbSNP rs370680798, ClinGen allele CA382547793.

ClinVar aggregate classification (germline): Uncertain significance (1 of 4 stars; one submission).

Conditions:
Hereditary cancer-predisposing syndrome. Also called: Neoplastic Syndromes, Hereditary; Tumor predisposition; Hereditary neoplastic syndrome; Hereditary Cancer Syndrome. Identifiers: Orphanet 140162, MedGen C0027672, MeSH D009386, MONDO:0015356.

Submission:

Ambry Genetics
Classification: Uncertain significance for Hereditary cancer-predisposing syndrome. Last evaluated: 2017-12-28. Review status: criteria provided, single submitter. Criteria: Ambry Variant Classification Scheme 2023. Collection method: clinical testing. Allele origin: germline.
Comment: The p.R1898L variant (also known as c.5693G>T), located in coding exon 37 of the ATM gene, results from a G to T substitution at nucleotide position 5693. The arginine at codon 1898 is replaced by leucine, an amino acid with dissimilar properties. This amino acid position is not well conserved in available vertebrate species. In addition, this alteration is predicted to be tolerated by in silico analysis. Since supporting evidence is limited at this time, the clinical significance of this alteration remains unclear.